The following is an entry in ClinVar:

ClinVar aggregate classification (germline): Likely benign (0 of 4 stars; one submission).

Conditions:
ATF3-related disorder. Also called: ATF3-related condition.

Allele frequency attached by ClinVar (database versions not stated): TOPMed 0.00073; gnomAD 0.00080; 1000 Genomes Project 0.00160; 1000 Genomes Project 30x 0.00172.
gnomAD v4.1: 205 of 1,614,158 alleles (0.013%); highest among the groups gnomAD compares: African/African-American, 0.25%; no homozygotes.

Submission:

PreventionGenetics, part of Exact Sciences
Classification: Likely benign for ATF3-related condition. Last evaluated: 2019-05-28. Review status: no assertion criteria provided. Collection method: clinical testing. Allele origin: germline.
Comment: This variant is classified as likely benign based on ACMG/AMP sequence variant interpretation guidelines (Richards et al. 2015 PMID: 25741868, with internal and published modifications).

NM_001674.4(ATF3):c.72C>T (p.Ser24=)

Gene: ATF3 (activating transcription factor 3; plus strand). Cytogenetic location: 1q32.3.
Variant type: single nucleotide variant.
Coding change: c.72C>T on transcript NM_001674.4 (MANE Select); coding-DNA position 72, C replaced by T.
Protein change: p.Ser24=; no amino-acid change (serine 24 retained).
Molecular consequence: synonymous variant. On other transcripts: 5 prime UTR variant (2), intron variant (1).
Genome position (GRCh38, 1-based): chr1:212,615,093, C>T. VCF-style: chr1-212615093-C-T. GRCh37 (hg19) VCF-style: chr1-212788435-C-T.
Other names: c.72C>T, p.Ser24= (NM_001030287.4, NM_001040619.3); c.-100C>T (NM_001206484.3, NM_001206488.3); c.39+33C>T (NM_001206486.2).
Identifiers: ClinVar variation 3041761 (VCV003041761.2), dbSNP rs148364357, ClinGen allele CA1384385.
Genomic context (GRCh38, chr1:212,615,093, plus strand): 5'-ACACCCAGGCCAGGTCTCTGCCTCGGAAGTGAGTGCTTCTGCCATCGTCCCCTGCCTGTC[C>T]CCTCCTGGGTCACTGGTGTTTGAGGATTTTGCTAACCTGACGCCCTTTGTCAAGGAAGAG-3'
Protein context (NP_001665.1, residues 14-34): VSASAIVPCL[Ser24=]PPGSLVFEDF